The following is an entry in ClinVar:

ClinVar aggregate classification (germline): Conflicting classifications of pathogenicity. Review status: criteria provided, conflicting classifications (1 of 4 stars). 2 submissions from 2 submitters: Uncertain significance (1); Likely benign (1). Last evaluated 2025-08-21.

Conditions:
Intellectual developmental disorder, autosomal dominant 6, with or without seizures. Also called: Intellectual disability, autosomal dominant 6; GRIN2B-related developmental delay, intellectual disability and autism spectrum disorder. Identifiers: Orphanet 589547, MedGen C3151411, MONDO:0013509, OMIM 613970.
Developmental and epileptic encephalopathy, 27 (DEE27). Also called: Epileptic encephalopathy, early infantile, 27; GRIN2B-Related Neurodevelopmental Disorder. Identifiers: Orphanet 3451, MedGen C4015316, MONDO:0014505, OMIM 616139.

Submissions (2):

Labcorp Genetics (formerly Invitae), Labcorp
Classification: Likely benign for Developmental and epileptic encephalopathy, 27; Intellectual developmental disorder, autosomal dominant 6, with or without seizures. Last evaluated: 2025-08-21. Review status: criteria provided, single submitter. Criteria: Invitae Variant Classification Sherloc (09022015). Collection method: clinical testing. Allele origin: germline.

GeneDx
Classification: Uncertain significance. Last evaluated: 2016-03-08. Review status: criteria provided, single submitter. Criteria: GeneDx Variant Classification (06012015). Collection method: clinical testing. Allele origin: germline. Affected: yes.
Comment: The A109S variant has not been published as a pathogenic variant, nor has it been reported as a benign variant to our knowledge. It was not observed in approximately 6,500 individuals of European and African American ancestry in the NHLBI Exome Sequencing Project, indicating it is not a common benign variant in these populations. The A109S variant is a non-conservative amino acid substitution, which is likely to impact secondary protein structure as these residues differ in polarity, charge, size and/or other properties. This substitution occurs at a position that is conserved across species and in silico analysis predicts this variant is probably damaging to the protein structure/function. However, missense variants in nearby residues have not been reported in the Human Gene Mutation Database in association with GRIN2B-related disorders (Stenson et al., 2014). Therefore, based on the currently available information, it is unclear whether this variant is a pathogenic variant or a rare benign variant.

NM_000834.5(GRIN2B):c.325G>T (p.Ala109Ser)

Gene: GRIN2B (glutamate ionotropic receptor NMDA type subunit 2B; minus strand). Cytogenetic location: 12p13.1.
Variant type: single nucleotide variant.
Coding change: c.325G>T on transcript NM_000834.5 (MANE Select); coding-DNA position 325, G replaced by T.
Protein change: p.Ala109Ser; replaces alanine 109 with serine.
Molecular consequence: missense variant.
Genome position (GRCh38, 1-based): chr12:13,865,884, C>A on the plus strand (G>T on the coding strand, the complement: GRIN2B is on the minus strand). VCF-style: chr12-13865884-C-A. GRCh37 (hg19) VCF-style: chr12-14018818-C-A.
Other names: short protein forms A109S.
Identifiers: ClinVar variation 246440 (VCV000246440.12), dbSNP rs772078838, ClinGen allele CA10584431.